The following is an entry in ClinVar:

ClinVar aggregate classification (germline): Pathogenic (1 of 4 stars; one submission).

Conditions:
Primary ciliary dyskinesia. Also called: Ciliary dyskinesia. Identifiers: Orphanet 244, MedGen C0008780, MONDO:0016575, HP:0012265.

Submission:

Labcorp Genetics (formerly Invitae), Labcorp
Classification: Pathogenic for Primary ciliary dyskinesia. Last evaluated: 2016-01-01. Review status: criteria provided, single submitter. Criteria: Invitae Variant Classification Sherloc (09022015). Collection method: clinical testing. Allele origin: germline.
Comment: For these reasons, this variant has been classified as Pathogenic. While this particular variant has not been reported in the literature, truncating variants in CCDC39 are known to be pathogenic (PMID: 21131972, 23255504). This sequence change deletes 2 nucleotides from exon 2 of the CCDC39 mRNA (c.163_164delAT), causing a frameshift at codon 55. This creates a premature translational stop signal (p.Met55Aspfs*8) and is expected to result in an absent or disrupted protein product.

Literature cited by the submitters: PubMed 21131972; PubMed 23255504.

NM_181426.2(CCDC39):c.163_164del (p.Met55fs)

Gene: CCDC39 (coiled-coil domain 39 molecular ruler complex subunit; minus strand). Cytogenetic location: 3q26.33.
Variant type: Deletion.
Coding change: c.163_164del on transcript NM_181426.2 (MANE Select); coding-DNA positions 163 to 164, 2 bases deleted (AT; older notation c.163_164delAT).
Protein change: p.Met55fs; shifts the reading frame from methionine 55.
Molecular consequence: frameshift variant.
Genome position (GRCh38, 1-based): chr3:180,663,913-180,663,914, AT deleted on the plus strand (AT on the coding strand, the reverse complement: CCDC39 is on the minus strand); deleting any 2 consecutive bases within chr3:180,663,913-180,663,915 gives the same sequence; the c. name uses the placement nearest the transcript's 3' end. VCF-style (leftmost placement, unchanged base first): chr3-180663912-CAT-C. GRCh37 (hg19) VCF-style: chr3-180381700-CAT-C.
Other names: short protein forms M55fs.
Identifiers: ClinVar variation 242169 (VCV000242169.7), dbSNP rs878855280, ClinGen allele CA10582144.